The following is an entry in ClinVar:

ClinVar aggregate classification (germline): Benign/Likely benign. Review status: criteria provided, multiple submitters, no conflicts (2 of 4 stars). 3 submissions from 3 submitters: Benign (1); Likely benign (2). Last evaluated 2024-10-30.

Conditions:
Hereditary cancer-predisposing syndrome. Also called: Neoplastic Syndromes, Hereditary; Tumor predisposition; Hereditary neoplastic syndrome; Hereditary Cancer Syndrome. Identifiers: Orphanet 140162, MedGen C0027672, MeSH D009386, MONDO:0015356.
Prostate cancer, hereditary, 9 (HPC9). Identifiers: Orphanet 1331, MedGen C1970250, MONDO:0012597, OMIM 610997.

Allele frequency attached by ClinVar (database versions not stated): gnomAD 0.00001; TOPMed 0.00001.
gnomAD v4.1: 3 of 1,609,558 alleles (0.00019%); highest among the groups gnomAD compares: Non-Finnish European, 0.00025%; no homozygotes.

Submissions (3):

Myriad Genetics, Inc.
Classification: Benign for Prostate cancer, hereditary, 9. Last evaluated: 2024-10-30. Review status: criteria provided, single submitter. Criteria: Myriad Autosomal Dominant, Autosomal Recessive and X-Linked Classification Criteria (2023). Collection method: clinical testing. Allele origin: unknown.
Comment: This variant is considered benign. This variant is a silent/synonymous amino acid change and it is not expected to impact splicing.

Labcorp Genetics (formerly Invitae), Labcorp
Classification: Likely benign. Last evaluated: 2024-10-01. Review status: criteria provided, single submitter. Criteria: Invitae Variant Classification Sherloc (09022015). Collection method: clinical testing. Allele origin: germline.

Ambry Genetics
Classification: Likely benign for Hereditary cancer-predisposing syndrome. Last evaluated: 2019-11-20. Review status: criteria provided, single submitter. Criteria: Ambry Variant Classification Scheme 2023. Collection method: clinical testing. Allele origin: germline.

NM_006361.6(HOXB13):c.633C>T (p.Cys211=)

Gene: HOXB13 (homeobox B13; minus strand). Cytogenetic location: 17q21.32.
Variant type: single nucleotide variant.
Coding change: c.633C>T on transcript NM_006361.6 (MANE Select); coding-DNA position 633, C replaced by T.
Protein change: p.Cys211=; no amino-acid change (cysteine 211 retained).
Molecular consequence: synonymous variant.
Genome position (GRCh38, 1-based): chr17:48,727,012, G>A on the plus strand (C>T on the coding strand, the complement: HOXB13 is on the minus strand). VCF-style: chr17-48727012-G-A. GRCh37 (hg19) VCF-style: chr17-46804374-G-A.
Identifiers: ClinVar variation 826331 (VCV000826331.14), dbSNP rs760440566, ClinGen allele CA500501229.
Genomic context (GRCh38, chr17:48,727,012, plus strand): 5'-CAGCTCCCGCAACTGCCCCTTGCTGTACGGAATGCGTTTCTTGCGGCCGCGACGAAAGGC[G>A]CAGGCGTCAGGAGGGTGCTGCCCGCTGGAGTCTGCGCGGCGTGAAAGGGAGGGAGGAAAA-3'
Protein context (NP_006352.2, residues 201-221): DSSGQHPPDA[Cys211=]AFRRGRKKRI